The following is an entry in ClinVar:

NM_177398.4(LMX1A):c.519T>A (p.Ser173Arg)

Gene: LMX1A (LIM homeobox transcription factor 1 alpha; minus strand). Cytogenetic location: 1q23.3.
Variant type: single nucleotide variant.
Coding change: c.519T>A on transcript NM_177398.4 (MANE Select); coding-DNA position 519, T replaced by A.
Protein change: p.Ser173Arg; replaces serine 173 with arginine.
Molecular consequence: missense variant.
Genome position (GRCh38, 1-based): chr1:165,213,791, A>T on the plus strand (T>A on the coding strand, the complement: LMX1A is on the minus strand). VCF-style: chr1-165213791-A-T. GRCh37 (hg19) VCF-style: chr1-165183028-A-T.
Other names: c.519T>A, p.Ser173Arg (NM_001174069.2); short protein forms S173R.
Identifiers: ClinVar variation 5017469 (VCV005017469.1).

ClinVar aggregate classification (germline): Uncertain significance (1 of 4 stars; one submission).

Submission:

GeneDx
Classification: Uncertain significance. Last evaluated: 2026-03-25. Review status: criteria provided, single submitter. Criteria: GeneDx Variant Classification Process June 2021. Collection method: clinical testing. Allele origin: germline.
Comment: Not observed at significant frequency in large population cohorts (gnomAD); In silico analysis suggests that this missense variant does not alter protein structure/function; Has not been previously published as pathogenic or benign to our knowledge